The following is an entry in ClinVar:

ClinVar aggregate classification (germline): Uncertain significance (1 of 4 stars; one submission).

Submission:

GeneDx
Classification: Uncertain significance. Last evaluated: 2024-02-26. Review status: criteria provided, single submitter. Criteria: GeneDx Variant Classification Process June 2021. Collection method: clinical testing. Allele origin: germline. Affected: yes.
Comment: Not observed at significant frequency in large population cohorts (gnomAD); In silico analysis supports that this missense variant has a deleterious effect on protein structure/function; Has not been previously published as pathogenic or benign to our knowledge

NM_006180.6(NTRK2):c.2180G>A (p.Gly727Asp)

Gene: NTRK2 (neurotrophic receptor tyrosine kinase 2; plus strand). Cytogenetic location: 9q21.33.
Variant type: single nucleotide variant.
Coding change: c.2180G>A on transcript NM_006180.6 (MANE Select); coding-DNA position 2180, G replaced by A.
Protein change: p.Gly727Asp; replaces glycine 727 with aspartic acid.
Molecular consequence: missense variant.
Genome position (GRCh38, 1-based): chr9:85,020,213, G>A. VCF-style: chr9-85020213-G-A. GRCh37 (hg19) VCF-style: chr9-87635128-G-A.
Other names: c.2132G>A, p.Gly711Asp (NM_001018064.3, NM_001369532.1, NM_001369533.1); c.2096G>A, p.Gly699Asp (NM_001369534.1); c.1664G>A, p.Gly555Asp (NM_001369535.1); c.1712G>A, p.Gly571Asp (NM_001369536.1); short protein forms G555D, G571D, G699D, G711D, G727D.
Identifiers: ClinVar variation 3369871 (VCV003369871.1).